The following is an entry in ClinVar:

NM_152866.3(MS4A1):c.667C>A (p.Pro223Thr)

Gene: MS4A1 (membrane spanning 4-domains A1; plus strand). Cytogenetic location: 11q12.2.
Variant type: single nucleotide variant.
Coding change: c.667C>A on transcript NM_152866.3 (MANE Select); coding-DNA position 667, C replaced by A.
Protein change: p.Pro223Thr; replaces proline 223 with threonine.
Molecular consequence: missense variant.
Genome position (GRCh38, 1-based): chr11:60,467,052, C>A. VCF-style: chr11-60467052-C-A. GRCh37 (hg19) VCF-style: chr11-60234525-C-A.
Other names: c.667C>A, p.Pro223Thr (NM_021950.4, NM_152867.2); short protein forms P223T.
Identifiers: ClinVar variation 2800854 (VCV002800854.3), dbSNP rs2495414265, ClinGen allele CA380600502.

ClinVar aggregate classification (germline): Uncertain significance (1 of 4 stars; one submission).

Allele frequency attached by ClinVar (database versions not stated): gnomAD exomes below 0.00001.
gnomAD v4.1: 1 of 1,613,962 alleles (0.000062%); highest among the groups gnomAD compares: Non-Finnish European, 0.000085%; no homozygotes.

Submission:

Labcorp Genetics (formerly Invitae), Labcorp
Classification: Uncertain significance. Last evaluated: 2024-12-24. Review status: criteria provided, single submitter. Criteria: Invitae Variant Classification Sherloc (09022015). Collection method: clinical testing. Allele origin: germline.
Comment: This sequence change replaces proline, which is neutral and non-polar, with threonine, which is neutral and polar, at codon 223 of the MS4A1 protein (p.Pro223Thr). This variant is not present in population databases (gnomAD no frequency). This variant has not been reported in the literature in individuals affected with MS4A1-related conditions. ClinVar contains an entry for this variant (Variation ID: 2800854). An algorithm developed to predict the effect of missense changes on protein structure and function (PolyPhen-2) suggests that this variant is likely to be disruptive. In summary, the available evidence is currently insufficient to determine the role of this variant in disease. Therefore, it has been classified as a Variant of Uncertain Significance.